The following is an entry in ClinVar:

ClinVar aggregate classification (germline): Uncertain significance. Review status: criteria provided, multiple submitters, no conflicts (2 of 4 stars). 2 submissions from 2 submitters: Uncertain significance (2). Last evaluated 2025-08-31.

Conditions:
Hereditary cancer-predisposing syndrome. Also called: Neoplastic Syndromes, Hereditary; Hereditary Cancer Syndrome; Hereditary neoplastic syndrome; Tumor predisposition. Identifiers: Orphanet 140162, MedGen C0027672, MeSH D009386, MONDO:0015356.

Submissions (2):

Labcorp Genetics (formerly Invitae), Labcorp
Classification: Uncertain significance. Last evaluated: 2025-08-31. Review status: criteria provided, single submitter. Criteria: Invitae Variant Classification Sherloc (09022015). Collection method: clinical testing. Allele origin: germline.
Comment: This sequence change replaces isoleucine, which is neutral and non-polar, with leucine, which is neutral and non-polar, at codon 1487 of the POLE protein (p.Ile1487Leu). This variant is not present in population databases (gnomAD no frequency). This variant has not been reported in the literature in individuals affected with POLE-related conditions. ClinVar contains an entry for this variant (Variation ID: 540740). Invitae Evidence Modeling of protein sequence and biophysical properties (such as structural, functional, and spatial information, amino acid conservation, physicochemical variation, residue mobility, and thermodynamic stability) indicates that this missense variant is not expected to disrupt POLE protein function with a negative predictive value of 80%. In summary, the available evidence is currently insufficient to determine the role of this variant in disease. Therefore, it has been classified as a Variant of Uncertain Significance.

Ambry Genetics
Classification: Uncertain significance for Hereditary cancer-predisposing syndrome. Last evaluated: 2023-12-23. Review status: criteria provided, single submitter. Criteria: Ambry Variant Classification Scheme 2023. Collection method: clinical testing. Allele origin: germline.
Comment: The p.I1487L variant (also known as c.4459A>C), located in coding exon 35 of the POLE gene, results from an A to C substitution at nucleotide position 4459. The isoleucine at codon 1487 is replaced by leucine, an amino acid with highly similar properties. This amino acid position is conserved. In addition, this alteration is predicted to be tolerated by in silico analysis. Since supporting evidence is limited at this time, the clinical significance of this alteration remains unclear.

NM_006231.4(POLE):c.4459A>C (p.Ile1487Leu)

Gene: POLE (DNA polymerase epsilon, catalytic subunit; minus strand). Cytogenetic location: 12q24.33.
Variant type: single nucleotide variant.
Coding change: c.4459A>C on transcript NM_006231.4 (MANE Select); coding-DNA position 4459, A replaced by C.
Protein change: p.Ile1487Leu; replaces isoleucine 1487 with leucine.
Molecular consequence: missense variant.
Genome position (GRCh38, 1-based): chr12:132,643,316, T>G on the plus strand (A>C on the coding strand, the complement: POLE is on the minus strand). VCF-style: chr12-132643316-T-G. GRCh37 (hg19) VCF-style: chr12-133219902-T-G.
Other names: c.4459A>C (NM_006231.2); short protein forms I1487L.
Identifiers: ClinVar variation 540740 (VCV000540740.9), dbSNP rs1555222924, ClinGen allele CA387380763.
Genomic context (GRCh38, chr12:132,643,316, plus strand): 5'-GTGAGGGGATGAAGATCCCGAAGAGCGCTTTGTGGGCCTGTGCGTGGTGGTACAGGTAGA[T>G]ATGGCGGATACTCCCTGGAGAAGGAAACAAGACCGTCACCCCAGATGTGTGGGAGGCAGG-3'
Protein context (NP_006222.2, residues 1477-1497): SYLEPGSIRH[Ile1487Leu]YLYHHAQAHK